The following is an entry in ClinVar:

ClinVar aggregate classification (germline): Likely benign (0 of 4 stars; one submission).

Conditions:
THSD1-related disorder. Also called: THSD1-related condition.

Allele frequency attached by ClinVar (database versions not stated): ExAC 0.00001.
gnomAD v4.1: 32 of 1,614,038 alleles (0.002%); highest among the groups gnomAD compares: Non-Finnish European, 0.0025%; no homozygotes.

Submission:

PreventionGenetics, part of Exact Sciences
Classification: Likely benign for THSD1-related condition. Last evaluated: 2019-09-05. Review status: no assertion criteria provided. Collection method: clinical testing. Allele origin: germline.
Comment: This variant is classified as likely benign based on ACMG/AMP sequence variant interpretation guidelines (Richards et al. 2015 PMID: 25741868, with internal and published modifications).

NM_018676.4(THSD1):c.1944C>T (p.Ala648=)

Gene: THSD1 (thrombospondin type 1 domain containing 1; minus strand). Cytogenetic location: 13q14.3.
Variant type: single nucleotide variant.
Coding change: c.1944C>T on transcript NM_018676.4 (MANE Select); coding-DNA position 1944, C replaced by T.
Protein change: p.Ala648=; no amino-acid change (alanine 648 retained).
Molecular consequence: synonymous variant.
Genome position (GRCh38, 1-based): chr13:52,378,026, G>A on the plus strand (C>T on the coding strand, the complement: THSD1 is on the minus strand). VCF-style: chr13-52378026-G-A. GRCh37 (hg19) VCF-style: chr13-52952161-G-A.
Other names: c.1785C>T, p.Ala595= (NM_199263.3).
Identifiers: ClinVar variation 3053491 (VCV003053491.2), dbSNP rs766057990, ClinGen allele CA6991886.